The following is an entry in ClinVar:

NM_007050.6(PTPRT):c.2797G>C (p.Val933Leu)

Gene: PTPRT (protein tyrosine phosphatase receptor type T; minus strand). Cytogenetic location: 20q12.
Variant type: single nucleotide variant.
Coding change: c.2797G>C on transcript NM_007050.6 (MANE Select); coding-DNA position 2797, G replaced by C.
Protein change: p.Val933Leu; replaces valine 933 with leucine.
Molecular consequence: missense variant.
Genome position (GRCh38, 1-based): chr20:42,128,804, C>G on the plus strand (G>C on the coding strand, the complement: PTPRT is on the minus strand). VCF-style: chr20-42128804-C-G. GRCh37 (hg19) VCF-style: chr20-40757444-C-G.
Other names: c.2854G>C, p.Val952Leu (NM_133170.4); short protein forms V933L, V952L.
Identifiers: ClinVar variation 769091 (VCV000769091.7), dbSNP rs73909220, ClinGen allele CA9864127.

ClinVar aggregate classification (germline): Benign. Review status: criteria provided, multiple submitters, no conflicts (2 of 4 stars). 3 submissions from 3 submitters: Benign (2). 1 of the submissions does not count toward it. Last evaluated 2019-12-31.

Conditions:
PTPRT-related disorder. Also called: PTPRT-related condition.

Allele frequency attached by ClinVar (database versions not stated): gnomAD exomes 0.00341; ExAC 0.00432; gnomAD 0.01411 and 0.01519; 1000 Genomes Project 0.01478; ESP Exome Variant Server 0.01561; 1000 Genomes Project 30x 0.01608; TOPMed 0.01622.
gnomAD v4.1: 4,203 of 1,607,194 alleles (0.26%); highest among the groups gnomAD compares: African/African-American, 5%; 92 homozygotes.

Submissions (3):

Labcorp Genetics (formerly Invitae), Labcorp
Classification: Benign. Last evaluated: 2019-12-31. Review status: criteria provided, single submitter. Criteria: Invitae Variant Classification Sherloc (09022015). Collection method: clinical testing. Allele origin: germline.

Breakthrough Genomics
Classification: Benign. Review status: criteria provided, single submitter. Criteria: ACMG Guidelines, 2015. Collection method: not provided. Allele origin: germline. Inheritance: Unknown mechanism. Affected: yes.

PreventionGenetics, part of Exact Sciences
Classification: Benign for PTPRT-related condition. Last evaluated: 2019-06-07. Review status: no assertion criteria provided. Collection method: clinical testing. Allele origin: germline. Not counted in ClinVar's aggregate classification.
Comment: This variant is classified as benign based on ACMG/AMP sequence variant interpretation guidelines (Richards et al. 2015 PMID: 25741868, with internal and published modifications).